The following is an entry in ClinVar:

ClinVar aggregate classification (germline): Uncertain significance (1 of 4 stars; one submission).

Conditions:
Hereditary sensory and autonomic neuropathy type 1 (HSAN1). Also called: HSAN 1; HSN Type I; Hereditary Sensory Neuropathy Type I. Identifiers: Orphanet 36386, MedGen C0020071, MONDO:0018213.

Submission:

Labcorp Genetics (formerly Invitae), Labcorp
Classification: Uncertain significance for Hereditary sensory and autonomic neuropathy type 1. Last evaluated: 2020-06-17. Review status: criteria provided, single submitter. Criteria: Invitae Variant Classification Sherloc (09022015). Collection method: clinical testing. Allele origin: germline.
Comment: This variant results in a copy number gain of the genomic region encompassing the full coding sequence of the SPTLC1 gene. The boundaries of this event are unknown as they extend beyond the assayed region for this gene and therefore may encompass additional genes. As the precise location of this event is unknown, it may be in tandem or it may be located elsewhere in the genome. This variant has not been reported in the literature in individuals with SPTLC1-related conditions. In summary, the available evidence is currently insufficient to determine the role of this variant in disease. Therefore, it has been classified as a Variant of Uncertain Significance.

NC_000009.12:g.(?_92032445)_(92115390_?)dup

Gene: SPTLC1 (serine palmitoyltransferase long chain base subunit 1; minus strand). Cytogenetic location: 9q22.31.
Variant type: Duplication.
Identifiers: ClinVar variation 832517 (VCV000832517.5).